The following is an entry in ClinVar:

ClinVar aggregate classification (germline): Pathogenic/Likely pathogenic. Review status: criteria provided, multiple submitters, no conflicts (2 of 4 stars). 3 submissions from 3 submitters: Pathogenic (1); Likely pathogenic (2). Last evaluated 2022-02-02.

Conditions:
Galloway-Mowat syndrome 3. Identifiers: MedGen C4540266, MONDO:0033007, OMIM 617729.

Allele frequency attached by ClinVar (database versions not stated): gnomAD exomes below 0.00001 and 0.00001; TOPMed below 0.00001; ExAC 0.00001; gnomAD 0.00001; 1000 Genomes Project 30x 0.00016; 1000 Genomes Project 0.00020.
gnomAD v4.1: 14 of 1,613,858 alleles (0.00087%); highest among the groups gnomAD compares: Middle Eastern, 0.016%; no homozygotes.

Submissions (3):

Victorian Clinical Genetics Services, Murdoch Childrens Research Institute
Classification: Likely pathogenic for Galloway-Mowat syndrome 3. Last evaluated: 2022-02-02. Review status: criteria provided, single submitter. Criteria: ACMG Guidelines, 2015. Collection method: clinical testing. Allele origin: germline. Inheritance: Autosomal recessive inheritance.
Comment: Based on the classification scheme VCGS_Germline_v1.3.4, this variant is classified as Likely pathogenic. Following criteria are met: 0102 - Loss of function is a known mechanism of disease in this gene and is associated with Galloway-Mowat syndrome 3 (GAMOS). (I) 0106 - This gene is associated with autosomal recessive disease. (I) 0201 - Variant is predicted to cause nonsense-mediated decay (NMD) and loss of protein (premature termination codon is located at least 54 nucleotides upstream of the final exon-exon junction). (SP) 0251 - This variant is heterozygous. (I) 0304 - Variant is present in gnomAD (v3) <0.01 for a recessive condition (2 heterozygotes, 0 homozygotes). (SP) 0705 - No comparable NMD-predicted variants have previous evidence for pathogenicity. (I) 0803 - This variant has limited previous evidence of pathogenicity in an unrelated individual. This variant has been classified once as likely pathogenic by one clinical diagnostic laboratory (ClinVar). (SP) 0905 - No published segregation evidence has been identified for this variant. (I) 1007 - No published functional evidence has been identified for this variant. (I) 1201 - Heterozygous variant detected in trans with a second pathogenic heterozygous variant (NM_017807.3(OSGEP):c.740G>A; p.(Arg247Gln)) in a recessive disease. (I) Legend: (SP) - Supporting pathogenic, (I) - Information, (SB) - Supporting benign

Greenwood Genetic Center Diagnostic Laboratories, Greenwood Genetic Center
Classification: Likely pathogenic. Last evaluated: 2020-08-21. Review status: criteria provided, single submitter. Criteria: ACMG Guidelines, 2015. Collection method: clinical testing. Allele origin: germline. Affected: yes.

Juno Genomics, Hangzhou Juno Genomics, Inc
Classification: Pathogenic for Galloway-Mowat syndrome 3. Review status: criteria provided, single submitter. Criteria: ACMG Guidelines, 2015. Collection method: clinical testing. Allele origin: germline.
Comment: Absent from controls (or at extremely low frequency if recessive) in Genome Aggregation Database.;Null variant in a gene where loss of function (LOF) is a known mechanism of disease.;For recessive disorders, detected in trans with a pathogenic variant.

NM_017807.4(OSGEP):c.556C>T (p.Arg186Ter)

Gene: OSGEP (O-sialoglycoprotein endopeptidase; minus strand). Cytogenetic location: 14q11.2.
Variant type: single nucleotide variant.
Coding change: c.556C>T on transcript NM_017807.4 (MANE Select); coding-DNA position 556, C replaced by T.
Protein change: p.Arg186Ter; replaces arginine 186 with a stop codon.
Molecular consequence: nonsense.
Genome position (GRCh38, 1-based): chr14:20,448,965, G>A on the plus strand (C>T on the coding strand, the complement: OSGEP is on the minus strand). VCF-style: chr14-20448965-G-A. GRCh37 (hg19) VCF-style: chr14-20917124-G-A.
Other names: short protein forms R186*.
Identifiers: ClinVar variation 992324 (VCV000992324.6), dbSNP rs140696201, ClinGen allele CA7081179.
Genomic context (GRCh38, chr14:20,448,965, plus strand): 5'-ATATGGGGAAATCCCTGAAGCCCCAGCAGCCAGCCTGCTTCCACCTTATGTCCCCTTACC[G>A]CTTTGCCATCTGTTCAATGTTGTATCCTGGACTTGGGTCGTTAGAAATCTAGCAGAAGAA-3'